The following is an entry in ClinVar:

ClinVar aggregate classification (germline): Uncertain significance. Review status: criteria provided, multiple submitters, no conflicts (2 of 4 stars). 2 submissions from 2 submitters: Uncertain significance (2). Last evaluated 2025-03-10.

Conditions:
Inborn genetic diseases. Identifiers: MedGen C0950123, MeSH D030342.

Allele frequency attached by ClinVar (database versions not stated): TOPMed 0.00002; ExAC 0.00003; gnomAD 0.00003 and 0.00004; gnomAD exomes 0.00003 and 0.00004.
gnomAD v4.1: 43 of 1,612,558 alleles (0.0027%); highest among the groups gnomAD compares: Middle Eastern, 0.018%; no homozygotes.

Submissions (2):

Ambry Genetics
Classification: Uncertain significance for Inborn genetic diseases. Last evaluated: 2025-03-10. Review status: criteria provided, single submitter. Criteria: Ambry Variant Classification Scheme 2023. Collection method: clinical testing. Allele origin: germline.

Labcorp Genetics (formerly Invitae), Labcorp
Classification: Uncertain significance. Last evaluated: 2024-12-30. Review status: criteria provided, single submitter. Criteria: Invitae Variant Classification Sherloc (09022015). Collection method: clinical testing. Allele origin: germline.
Comment: This sequence change replaces alanine, which is neutral and non-polar, with threonine, which is neutral and polar, at codon 253 of the CAPN5 protein (p.Ala253Thr). This variant is present in population databases (rs782513405, gnomAD 0.008%). This variant has not been reported in the literature in individuals affected with CAPN5-related conditions. ClinVar contains an entry for this variant (Variation ID: 963358). Invitae Evidence Modeling of protein sequence and biophysical properties (such as structural, functional, and spatial information, amino acid conservation, physicochemical variation, residue mobility, and thermodynamic stability) indicates that this missense variant is not expected to disrupt CAPN5 protein function with a negative predictive value of 80%. In summary, the available evidence is currently insufficient to determine the role of this variant in disease. Therefore, it has been classified as a Variant of Uncertain Significance.

NM_004055.5(CAPN5):c.757G>A (p.Ala253Thr)

Gene: CAPN5 (calpain 5; plus strand). Cytogenetic location: 11q13.5.
Variant type: single nucleotide variant.
Coding change: c.757G>A on transcript NM_004055.5 (MANE Select); coding-DNA position 757, G replaced by A.
Protein change: p.Ala253Thr; replaces alanine 253 with threonine.
Molecular consequence: missense variant.
Genome position (GRCh38, 1-based): chr11:77,115,452, G>A. VCF-style: chr11-77115452-G-A. GRCh37 (hg19) VCF-style: chr11-76826498-G-A.
Other names: short protein forms A253T.
Identifiers: ClinVar variation 963358 (VCV000963358.11), dbSNP rs782513405, ClinGen allele CA6196547.